The following is an entry in ClinVar:

ClinVar aggregate classification (germline): Likely benign (1 of 4 stars; one submission).

Submission:

GeneDx
Classification: Likely benign. Last evaluated: 2017-07-14. Review status: criteria provided, single submitter. Criteria: GeneDx Variant Classification (06012015). Collection method: clinical testing. Allele origin: germline. Affected: yes.
Comment: This variant is considered likely benign or benign based on one or more of the following criteria: it is a conservative change, it occurs at a poorly conserved position in the protein, it is predicted to be benign by multiple in silico algorithms, and/or has population frequency not consistent with disease.

NM_001844.5(COL2A1):c.2895+20C>T

Gene: COL2A1 (collagen type II alpha 1 chain; minus strand). Cytogenetic location: 12q13.11.
Variant type: single nucleotide variant.
Coding change: c.2895+20C>T on transcript NM_001844.5 (MANE Select); 20 bases into the intron after coding-DNA position 2895, C replaced by T.
Molecular consequence: intron variant.
Genome position (GRCh38, 1-based): chr12:47,978,577, G>A on the plus strand (C>T on the coding strand, the complement: COL2A1 is on the minus strand). VCF-style: chr12-47978577-G-A. GRCh37 (hg19) VCF-style: chr12-48372360-G-A.
Other names: c.2688+20C>T (NM_033150.3).
Identifiers: ClinVar variation 510842 (VCV000510842.1), dbSNP rs1555165468, ClinGen allele CA658797883.
Genomic context (GRCh38, chr12:47,978,577, plus strand): 5'-TACCCCATGCTCTGTGAGCTCAGAAGCCACTCACGACCCTGCTCCCAGGGACCTTGGCAT[G>A]GGCCTGGTGAGGGACTTACAGAGGGACCGTCATCTCCAGGCTCTCCCTTCTCGCCAGGGG-3'